The following is an entry in ClinVar:

NM_000051.4(ATM):c.2890del (p.Glu964fs)

Gene: ATM (ATM serine/threonine kinase; plus strand). Cytogenetic location: 11q22.3.
Variant type: Deletion.
Coding change: c.2890del on transcript NM_000051.4 (MANE Select); coding-DNA position 2890, one base deleted (G; older notation c.2890delG).
Protein change: p.Glu964fs; shifts the reading frame from glutamic acid 964.
Molecular consequence: frameshift variant.
Genome position (GRCh38, 1-based): chr11:108,271,115, G deleted; the last of 2 consecutive G bases (chr11:108,271,114-108,271,115); deleting either gives the same sequence. VCF-style (leftmost placement, unchanged base first): chr11-108271113-TG-T. GRCh37 (hg19) VCF-style: chr11-108141840-TG-T.
Other names: c.2890del, p.Glu964fs (NM_001351834.2); short protein forms E964fs.
Identifiers: ClinVar variation 2110495 (VCV002110495.5), dbSNP rs2497678409, ClinGen allele CA2580083203.

ClinVar aggregate classification (germline): Pathogenic/Likely pathogenic. Review status: criteria provided, multiple submitters, no conflicts (2 of 4 stars). 2 submissions from 2 submitters: Pathogenic (1); Likely pathogenic (1). Last evaluated 2024-03-15.

Conditions:
Familial cancer of breast. Also called: Hereditary breast cancer; BREAST CANCER, FAMILIAL; hereditary breast carcinoma. Identifiers: Orphanet 227535, MedGen C0346153, MONDO:0016419, OMIM 114480. Disease mechanism: loss of function.
Ataxia-telangiectasia syndrome (AT). Also called: AT, COMPLEMENTATION GROUP C; Ataxia telangiectasia (A-T); LOUIS-BAR SYNDROME; Ataxia-telangiectasia, complementation group D; Ataxia-telangiectasia, complementation group E; ATAXIA-TELANGIECTASIA, COMPLEMENTATION GROUP A. Identifiers: Orphanet 100, MedGen C0004135, MONDO:0008840, OMIM 208900.

Submissions (2):

Baylor Genetics
Classification: Likely pathogenic for Familial cancer of breast. Last evaluated: 2024-03-15. Review status: criteria provided, single submitter. Criteria: ACMG Guidelines, 2015. Collection method: clinical testing. Allele origin: unknown.

Labcorp Genetics (formerly Invitae), Labcorp
Classification: Pathogenic for Ataxia-telangiectasia syndrome. Last evaluated: 2023-01-30. Review status: criteria provided, single submitter. Criteria: Invitae Variant Classification Sherloc (09022015). Collection method: clinical testing. Allele origin: germline.
Comment: For these reasons, this variant has been classified as Pathogenic. This variant has not been reported in the literature in individuals affected with ATM-related conditions. This variant is not present in population databases (gnomAD no frequency). This sequence change creates a premature translational stop signal (p.Glu964Lysfs*7) in the ATM gene. It is expected to result in an absent or disrupted protein product. Loss-of-function variants in ATM are known to be pathogenic (PMID: 23807571, 25614872).

Literature cited by the submitters: PubMed 23807571 (cited by Labcorp Genetics (formerly Invitae), Labcorp); PubMed 25614872 (cited by Labcorp Genetics (formerly Invitae), Labcorp).